The following is an entry in ClinVar:

ClinVar aggregate classification (germline): Pathogenic. Review status: criteria provided, single submitter (1 of 4 stars). 2 submissions from 2 submitters: Pathogenic (1). 1 of the submissions does not count toward it. Last evaluated 2023-08-05.

Conditions:
Spondylocostal dysostosis 2, autosomal recessive (SCDO2). Also called: MESP2-Related Spondylocostal Dysostosis, Autosomal Recessive; Spondylocostal dysostosis type 2. Identifiers: Orphanet 2311, MedGen C1837549, MONDO:0012097, OMIM 608681.

Submissions (2):

Labcorp Genetics (formerly Invitae), Labcorp
Classification: Pathogenic. Last evaluated: 2023-08-05. Review status: criteria provided, single submitter. Criteria: Invitae Variant Classification Sherloc (09022015). Collection method: clinical testing. Allele origin: germline.
Comment: This variant is not present in population databases (gnomAD no frequency). For these reasons, this variant has been classified as Pathogenic. ClinVar contains an entry for this variant (Variation ID: 557590). This variant has not been reported in the literature in individuals affected with MESP2-related conditions. This sequence change creates a premature translational stop signal (p.Ala86Glyfs*37) in the MESP2 gene. It is expected to result in an absent or disrupted protein product. Loss-of-function variants in MESP2 are known to be pathogenic (PMID: 9242490, 18485326).

Counsyl
Classification: Likely pathogenic for Spondylocostal dysostosis 2, autosomal recessive. Last evaluated: 2018-04-03. Review status: no assertion criteria provided. Collection method: clinical testing. Allele origin: unknown. Not counted in ClinVar's aggregate classification.

Literature cited by the submitters: PubMed 9242490 (cited by Labcorp Genetics (formerly Invitae), Labcorp); PubMed 18485326 (cited by Labcorp Genetics (formerly Invitae), Labcorp).

NM_001039958.2(MESP2):c.249_256dup (p.Ala86fs)

Genes: MESP2 (mesoderm posterior bHLH transcription factor 2; plus strand), LOC130057891 (ATAC-STARR-seq lymphoblastoid silent region 6806; plus strand). Cytogenetic location: 15q26.1.
Variant type: Duplication.
Coding change: c.249_256dup on transcript NM_001039958.2 (MANE Select); coding-DNA positions 249 to 256, 8 bases duplicated (GCAGAGCG; older notation c.249_256dupGCAGAGCG).
Protein change: p.Ala86fs; shifts the reading frame from alanine 86.
Molecular consequence: frameshift variant.
Genome position (GRCh38, 1-based): chr15:89,776,606-89,776,613, GCAGAGCG duplicated; duplicating any 8 consecutive bases within chr15:89,776,602-89,776,613 gives the same sequence; the c. name uses the placement nearest the transcript's 3' end. VCF-style (leftmost placement, unchanged base first): chr15-89776601-C-CAGCGGCAG. GRCh37 (hg19) VCF-style: chr15-90319832-C-CAGCGGCAG.
Other names: short protein forms A86fs.
Identifiers: ClinVar variation 557590 (VCV000557590.7), dbSNP rs1555439049, ClinGen allele CA658824080.